The following is an entry in ClinVar:

NM_014112.5(TRPS1):c.584T>C (p.Val195Ala)

Gene: TRPS1 (transcriptional repressor GATA binding 1; minus strand). Cytogenetic location: 8q23.3.
Variant type: single nucleotide variant.
Coding change: c.584T>C on transcript NM_014112.5 (MANE Select); coding-DNA position 584, T replaced by C.
Protein change: p.Val195Ala; replaces valine 195 with alanine.
Molecular consequence: missense variant.
Genome position (GRCh38, 1-based): chr8:115,619,514, A>G on the plus strand (T>C on the coding strand, the complement: TRPS1 is on the minus strand). VCF-style: chr8-115619514-A-G. GRCh37 (hg19) VCF-style: chr8-116631741-A-G.
Other names: c.557T>C, p.Val186Ala (NM_001282902.3); c.563T>C, p.Val188Ala (NM_001282903.3); c.545T>C, p.Val182Ala (NM_001330599.2); short protein forms V182A, V186A, V188A, V195A.
Identifiers: ClinVar variation 3758497 (VCV003758497.2).

ClinVar aggregate classification (germline): Uncertain significance (1 of 4 stars; one submission).

Conditions:
Trichorhinophalangeal dysplasia type I (TRPS1). Also called: TRICHORHINOPHALANGEAL SYNDROME, TYPE I; TRPS I. Identifiers: Orphanet 77258, MedGen C0432233, MONDO:0008596, OMIM 190350.
Trichorhinophalangeal syndrome, type III (TRPS3). Also called: SUGIO-KAJII SYNDROME. Identifiers: Orphanet 77258, MedGen C1860823, OMIM 190351, MONDO:0008597.

gnomAD v4.1: 1 of 1,614,146 alleles (0.000062%); highest among the groups gnomAD compares: Non-Finnish European, 0.000085%; no homozygotes.

Submission:

Labcorp Genetics (formerly Invitae), Labcorp
Classification: Uncertain significance for Trichorhinophalangeal syndrome, type III; Trichorhinophalangeal dysplasia type I. Last evaluated: 2024-11-18. Review status: criteria provided, single submitter. Criteria: Invitae Variant Classification Sherloc (09022015). Collection method: clinical testing. Allele origin: germline.
Comment: This sequence change replaces valine, which is neutral and non-polar, with alanine, which is neutral and non-polar, at codon 195 of the TRPS1 protein (p.Val195Ala). This variant is not present in population databases (gnomAD no frequency). This variant has not been reported in the literature in individuals affected with TRPS1-related conditions. Invitae Evidence Modeling of protein sequence and biophysical properties (such as structural, functional, and spatial information, amino acid conservation, physicochemical variation, residue mobility, and thermodynamic stability) indicates that this missense variant is not expected to disrupt TRPS1 protein function with a negative predictive value of 80%. In summary, the available evidence is currently insufficient to determine the role of this variant in disease. Therefore, it has been classified as a Variant of Uncertain Significance.